The following is an entry in ClinVar:

NM_005591.4(MRE11):c.1811G>A (p.Arg604His)

Gene: MRE11 (MRE11 double strand break repair nuclease; minus strand). Cytogenetic location: 11q21.
Variant type: single nucleotide variant.
Coding change: c.1811G>A on transcript NM_005591.4 (MANE Select); coding-DNA position 1811, G replaced by A.
Protein change: p.Arg604His; replaces arginine 604 with histidine.
Molecular consequence: missense variant. On other transcripts: intron variant (1).
Genome position (GRCh38, 1-based): chr11:94,445,866, C>T on the plus strand (G>A on the coding strand, the complement: MRE11 is on the minus strand). VCF-style: chr11-94445866-C-T. GRCh37 (hg19) VCF-style: chr11-94179032-C-T.
Other names: p.R604H:CGT>CAT; c.1808G>A, p.Arg603His (NM_001330347.2); c.1783+1353G>A (NM_005590.4); short protein forms R604H, R603H.
Identifiers: ClinVar variation 127976 (VCV000127976.61), dbSNP rs148637964, ClinGen allele CA331837.

ClinVar aggregate classification (germline): Conflicting classifications of pathogenicity. Review status: criteria provided, conflicting classifications (1 of 4 stars). 12 submissions from 12 submitters: Uncertain significance (8); Likely benign (3). 1 of the submissions does not count toward it. Last evaluated 2026-03-01.

Conditions:
Ataxia-telangiectasia-like disorder (ATLD). Identifiers: MedGen C1858391, MONDO:0011457.
Hereditary cancer-predisposing syndrome. Also called: Tumor predisposition; Hereditary neoplastic syndrome; Neoplastic Syndromes, Hereditary; Hereditary Cancer Syndrome. Identifiers: Orphanet 140162, MedGen C0027672, MeSH D009386, MONDO:0015356.
Ataxia-telangiectasia-like disorder 1 (ATLD1). Identifiers: Orphanet 251347, MedGen C4012790, MONDO:0024557, OMIM 604391.

Allele frequency attached by ClinVar (database versions not stated): ESP Exome Variant Server 0.00023; TOPMed 0.00026.
gnomAD v4.1: 698 of 1,613,616 alleles (0.043%); highest among the groups gnomAD compares: Non-Finnish European, 0.051%; 2 homozygotes.

Submissions (12):

CeGaT Center for Human Genetics Tuebingen
Classification: Likely benign. Last evaluated: 2026-03-01. Review status: criteria provided, single submitter. Criteria: CeGaT Center For Human Genetics Tuebingen Variant Classification Criteria Version 2. Collection method: clinical testing. Allele origin: germline. Affected: yes. Observed: 2 variant alleles.
Comment: MRE11: BP4

Quest Diagnostics Nichols Institute San Juan Capistrano
Classification: Likely benign. Last evaluated: 2025-03-11. Review status: criteria provided, single submitter. Criteria: Quest Diagnostics criteria. Collection method: clinical testing. Allele origin: unknown.

Labcorp Genetics (formerly Invitae), Labcorp
Classification: Uncertain significance for Ataxia-telangiectasia-like disorder. Last evaluated: 2024-12-09. Review status: criteria provided, single submitter. Criteria: Invitae Variant Classification Sherloc (09022015). Collection method: clinical testing. Allele origin: germline.
Comment: This sequence change replaces arginine, which is basic and polar, with histidine, which is basic and polar, at codon 604 of the MRE11 protein (p.Arg604His). This variant is present in population databases (rs148637964, gnomAD 0.04%). This missense change has been observed in individual(s) with breast cancer (PMID: 24894818, 32658311). ClinVar contains an entry for this variant (Variation ID: 127976). An algorithm developed to predict the effect of missense changes on protein structure and function (PolyPhen-2) suggests that this variant¬†is likely to be tolerated. In summary, the available evidence is currently insufficient to determine the role of this variant in disease. Therefore, it has been classified as a Variant of Uncertain Significance.

Women's Health and Genetics/Laboratory Corporation of America, LabCorp
Classification: Uncertain significance. Last evaluated: 2024-11-04. Review status: criteria provided, single submitter. Criteria: LabCorp Variant Classification Summary - May 2015. Collection method: clinical testing. Allele origin: germline.
Comment: Variant summary: MRE11A c.1811G>A (p.Arg604His) results in a non-conservative amino acid change in the encoded protein sequence. Four of five in-silico tools predict a benign effect of the variant on protein function. The variant allele was found at a frequency of 0.00043 in 1613616 control chromosomes in the gnomAD database (v4), including 2 homozygotes. This frequency is not significantly higher than estimated for a pathogenic variant in MRE11A causing Ataxia Telangiectasia-Like Disorder (0.00043 vs 0.0013). c.1811G>A has been reported in the literature in individuals affected with breast cancer or other disorders, as well as unaffected controls (e.g. Damiola_2014, Kienzler_2016, Young_2016, Caminsky_2016, Akcay_2021, Dorling_2021). These report(s) do not provide unequivocal conclusions about association of the variant with Ataxia Telangiectasia-Like Disorder. To our knowledge, no experimental evidence demonstrating an impact on protein function has been reported. The following publications have been ascertained in the context of this evaluation (PMID: 26787654, 26898890, 24894818, 32658311, 26680607, 33471991). ClinVar contains an entry for this variant (Variation ID: 127976). Based on the evidence outlined above, the variant was classified as VUS-possibly benign.

Athena Diagnostics
Classification: Likely benign. Last evaluated: 2024-04-26. Review status: criteria provided, single submitter. Criteria: Athena Diagnostics Criteria. Collection method: clinical testing. Allele origin: unknown.

Ambry Genetics
Classification: Uncertain significance for Hereditary cancer-predisposing syndrome. Last evaluated: 2023-05-21. Review status: criteria provided, single submitter. Criteria: Ambry Variant Classification Scheme 2023. Collection method: clinical testing. Allele origin: germline.
Comment: The p.R604H variant (also known as c.1811G>A), located in coding exon 15 of the MRE11A gene, results from a G to A substitution at nucleotide position 1811. The arginine at codon 604 is replaced by histidine, an amino acid with highly similar properties. In one study, this variant was reported in 2/1313 early-onset breast cancer cases and 1/1123 population controls (Damiola F et al. Breast Cancer Res. 2014 Jun;16:R58). In another study, this variant was observed in 1/287 patients with hereditary breast and/or ovarian cancer; This alteration was also reported in a study of 1297 cases of early-onset breast cancer and 1121 controls (Young EL et al. J. Med. Genet. 2016 Jun;53:366-76). This amino acid position is well conserved in available vertebrate species. In addition, this alteration is predicted to be tolerated by in silico analysis. Since supporting evidence is limited at this time, the clinical significance of this alteration remains unclear.

Neuberg Centre For Genomic Medicine, NCGM
Classification: Uncertain significance for Ataxia-telangiectasia-like disorder 1. Last evaluated: 2023-03-01. Review status: criteria provided, single submitter. Criteria: ACMG Guidelines, 2015. Collection method: clinical testing. Allele origin: germline. Inheritance: Autosomal dominant inheritance. Affected: yes.
Comment: The missense variant c.1811G>A (p.Arg604His) in MRE11 gene has not been reported previously as a pathogenic variant nor as a benign variant, to our knowledge. This variant is reported with the allele frequency 0.02% in the gnomAD Exomes and novel in 1000 Genomes. The amino acid Arg at position 604 is changed to a His changing protein sequence and it might alter its composition and physico-chemical properties. The residue is conserved by GERP++ and PhyloP across 100 vertebrates. For these reasons, this variant has been classified as Uncertain Significance.

Sema4
Classification: Uncertain significance for Hereditary cancer-predisposing syndrome. Last evaluated: 2021-05-03. Review status: criteria provided, single submitter. Criteria: Sema4 Curation Guidelines. Collection method: curation. Allele origin: germline.
Comment: The MRE11 c.1811G>A (p.R604H) variant has been reported in heterozygosity in numerous individuals with breast cancer (PMID: 26898890, 33471991, 24894818, 26787654). However, in some of these same case-control studies, the variant was reported in similar numbers of controls. This variant was observed in 11/30614 chromosomes in the South Asian population, with no homozygotes, according to the Genome Aggregation Database (PMID: 32461654) and has been reported in ClinVar (Variation ID: 127976). Functional studies have not been performed, and in silico predictions of the variant's effect on protein function are inconclusive. Based on the current evidence available, this variant is interpreted as a variant of uncertain significance.

Fulgent Genetics
Classification: Uncertain significance for Ataxia-telangiectasia-like disorder 1. Last evaluated: 2018-10-31. Review status: criteria provided, single submitter. Criteria: ACMG Guidelines, 2015. Collection method: clinical testing. Allele origin: unknown.

Illumina Laboratory Services, Illumina
Classification: Uncertain significance for Ataxia-telangiectasia-like disorder 1. Last evaluated: 2018-01-12. Review status: criteria provided, single submitter. Criteria: ICSL Variant Classification Criteria 13 December 2019. Collection method: clinical testing. Allele origin: germline.

GeneDx
Classification: Uncertain significance. Last evaluated: 2014-02-11. Review status: criteria provided, single submitter. Criteria: GeneDx Variant Classification (06012015). Collection method: clinical testing. Allele origin: germline. Affected: yes.
Comment: MRE11A has been only recently described in association with cancer predisposition and the risks are not well understood. This variant is denoted MRE11A c.1811G>A at the cDNA level, p.Arg604His (R604H) at the protein level, and results in the change of an Arginine to a Histidine (CGT>CAT). This variant has not, to our knowledge, been published in the literature as pathogenic or benign. MRE11A Arg604His was not observed in approximately 6,500 individuals of European and African American ancestry in the NHLBI Exome Sequencing Project. This variant is a conservative substitution of one positive polar amino acid for another, altering a position that is moderately conserved throughout evolution and is not located in a known functional domain. In silico analyses predict this variant to have a benign effect on protein structure and function. On a molecular level, the impact of this missense variant on protein structure and function is not known and thus we consider this to be a variant of uncertain significance. Furthermore, based on the currently available information, cancer risks associated with this variant, and the MRE11A gene, remain unclear.

Counsyl
Classification: Uncertain significance for Ataxia-telangiectasia-like disorder 1. Last evaluated: 2016-08-17. Review status: no assertion criteria provided. Collection method: clinical testing. Allele origin: unknown. Not counted in ClinVar's aggregate classification.

Literature cited by the submitters: PubMed 24894818 (cited by 5 submitters); PubMed 32658311 (cited by 3 submitters); PubMed 26787654 (cited by 4 submitters); PubMed 26898890 (cited by 5 submitters); PubMed 33471991 (cited by 3 submitters); PubMed 26680607 (cited by Women's Health and Genetics/Laboratory Corporation of America, LabCorp and Athena Diagnostics); PubMed 23718828 (cited by Athena Diagnostics); PubMed 29641532 (cited by Athena Diagnostics).